The following is an entry in ClinVar:

NM_182641.4(BPTF):c.7927-4A>G

Gene: BPTF (bromodomain PHD finger transcription factor; plus strand). Cytogenetic location: 17q24.2.
Variant type: single nucleotide variant.
Coding change: c.7927-4A>G on transcript NM_182641.4 (MANE Select); 4 bases into the intron before coding-DNA position 7927, A replaced by G.
Molecular consequence: intron variant.
Genome position (GRCh38, 1-based): chr17:67,959,537, A>G. VCF-style: chr17-67959537-A-G. GRCh37 (hg19) VCF-style: chr17-65955653-A-G.
Other names: c.7876-4A>G (NM_004459.7).
Identifiers: ClinVar variation 2662316 (VCV002662316.2), dbSNP rs2067269728, ClinGen allele CA2271980712.

ClinVar aggregate classification (germline): Uncertain significance (1 of 4 stars; one submission).

Submission:

GeneDx
Classification: Uncertain significance. Last evaluated: 2025-10-31. Review status: criteria provided, single submitter. Criteria: GeneDx Variant Classification Process June 2021. Collection method: clinical testing. Allele origin: germline.
Comment: Not observed at significant frequency in large population cohorts (gnomAD); In silico analysis supports a deleterious effect on splicing; Has not been previously published as pathogenic or benign to our knowledge